The following is an entry in ClinVar:

ClinVar aggregate classification (germline): Uncertain significance (1 of 4 stars; one submission).

Submission:

Labcorp Genetics (formerly Invitae), Labcorp
Classification: Uncertain significance. Last evaluated: 2022-07-25. Review status: criteria provided, single submitter. Criteria: Invitae Variant Classification Sherloc (09022015). Collection method: clinical testing. Allele origin: germline.
Comment: In summary, the available evidence is currently insufficient to determine the role of this variant in disease. Therefore, it has been classified as a Variant of Uncertain Significance. This sequence change replaces cysteine, which is neutral and slightly polar, with arginine, which is basic and polar, at codon 4509 of the HMCN1 protein (p.Cys4509Arg). This variant is not present in population databases (gnomAD no frequency). This variant has not been reported in the literature in individuals affected with HMCN1-related conditions. ClinVar contains an entry for this variant (Variation ID: 1405712). Algorithms developed to predict the effect of missense changes on protein structure and function (SIFT, PolyPhen-2, Align-GVGD) all suggest that this variant is likely to be disruptive.

NM_031935.3(HMCN1):c.13525T>C (p.Cys4509Arg)

Gene: HMCN1 (hemicentin 1; plus strand). Cytogenetic location: 1q31.1.
Variant type: single nucleotide variant.
Coding change: c.13525T>C on transcript NM_031935.3 (MANE Select); coding-DNA position 13525, T replaced by C.
Protein change: p.Cys4509Arg; replaces cysteine 4509 with arginine.
Molecular consequence: missense variant.
Genome position (GRCh38, 1-based): chr1:186,136,880, T>C. VCF-style: chr1-186136880-T-C. GRCh37 (hg19) VCF-style: chr1-186106012-T-C.
Other names: short protein forms C4509R.
Identifiers: ClinVar variation 1405712 (VCV001405712.6), dbSNP rs2102533769, ClinGen allele CA343911001.
Genomic context (GRCh38, chr1:186,136,880, plus strand): 5'-TTGTCCAACAACTCATTATATATTGCTGATGCTCAGAAAGAAGATACCTCTGAATTTGAA[T>C]GTGTTGCTCGAAACTTAATGGGTTCTGTCCTTGTCAGAGTGCCAGTCATAGTCCAGGGTG-3'
Protein context (NP_114141.2, residues 4499-4519): AQKEDTSEFE[Cys4509Arg]VARNLMGSVL